The following is an entry in ClinVar:

ClinVar aggregate classification (germline): Uncertain significance. Review status: criteria provided, multiple submitters, no conflicts (2 of 4 stars). 2 submissions from 2 submitters: Uncertain significance (2). Last evaluated 2021-11-02.

Submissions (2):

Ambry Genetics
Classification: Uncertain significance. Last evaluated: 2021-11-02. Review status: criteria provided, single submitter. Criteria: Ambry Variant Classification Scheme 2023. Collection method: clinical testing. Allele origin: germline.

Labcorp Genetics (formerly Invitae), Labcorp
Classification: Uncertain significance. Last evaluated: 2021-09-27. Review status: criteria provided, single submitter. Criteria: Invitae Variant Classification Sherloc (09022015). Collection method: clinical testing. Allele origin: germline.
Comment: In summary, the available evidence is currently insufficient to determine the role of this variant in disease. Therefore, it has been classified as a Variant of Uncertain Significance. Algorithms developed to predict the effect of missense changes on protein structure and function are either unavailable or do not agree on the potential impact of this missense change (SIFT: "Deleterious"; PolyPhen-2: "Probably Damaging"; Align-GVGD: "Class C0"). This variant has not been reported in the literature in individuals affected with SLC7A14-related conditions. This variant is not present in population databases (ExAC no frequency). This sequence change replaces arginine with proline at codon 28 of the SLC7A14 protein (p.Arg28Pro). The arginine residue is moderately conserved and there is a moderate physicochemical difference between arginine and proline.

NM_020949.3(SLC7A14):c.83G>C (p.Arg28Pro)

Genes: SLC7A14 (solute carrier family 7 member 14; minus strand), SLC7A14-AS1 (SLC7A14 antisense RNA 1; plus strand). Cytogenetic location: 3q26.2.
Variant type: single nucleotide variant.
Coding change: c.83G>C on transcript NM_020949.3 (MANE Select); coding-DNA position 83, G replaced by C.
Protein change: p.Arg28Pro; replaces arginine 28 with proline.
Molecular consequence: missense variant.
Genome position (GRCh38, 1-based): chr3:170,526,854, C>G on the plus strand (G>C on the coding strand, the complement: SLC7A14 is on the minus strand). VCF-style: chr3-170526854-C-G. GRCh37 (hg19) VCF-style: chr3-170244643-C-G.
Other names: c.83G>C (NM_020949.2); short protein forms R28P.
Identifiers: ClinVar variation 1476913 (VCV001476913.7), dbSNP rs1713523503, ClinGen allele CA355520260.